The following is an entry in ClinVar:

NM_000156.6(GAMT):c.571-60C>T

Gene: GAMT (guanidinoacetate N-methyltransferase; minus strand). Cytogenetic location: 19p13.3.
Variant type: single nucleotide variant.
Coding change: c.571-60C>T on transcript NM_000156.6 (MANE Select); 60 bases into the intron before coding-DNA position 571, C replaced by T.
Molecular consequence: intron variant.
Genome position (GRCh38, 1-based): chr19:1,397,559, G>A on the plus strand (C>T on the coding strand, the complement: GAMT is on the minus strand). VCF-style: chr19-1397559-G-A. GRCh37 (hg19) VCF-style: chr19-1397558-G-A.
Identifiers: ClinVar variation 670761 (VCV000670761.2), dbSNP rs266809, ClinGen allele CA304061989.

ClinVar aggregate classification (germline): Benign. Review status: criteria provided, multiple submitters, no conflicts (2 of 4 stars). 2 submissions from 2 submitters: Benign (2). Last evaluated 2018-06-14.

Allele frequency attached by ClinVar (database versions not stated): gnomAD exomes 0.01486; gnomAD 0.06781 and 0.07175; 1000 Genomes Project 0.07308; TOPMed 0.07776; 1000 Genomes Project 30x 0.07979.
gnomAD v4.1: 32,320 of 1,589,930 alleles (2%); highest among the groups gnomAD compares: African/African-American, 21%; 1,938 homozygotes.

Submissions (2):

GeneDx
Classification: Benign. Last evaluated: 2018-06-14. Review status: criteria provided, single submitter. Criteria: GeneDx Variant Classification (06012015). Collection method: clinical testing. Allele origin: germline. Affected: yes.
Comment: This variant is considered likely benign or benign based on one or more of the following criteria: it is a conservative change, it occurs at a poorly conserved position in the protein, it is predicted to be benign by multiple in silico algorithms, and/or has population frequency not consistent with disease.

Breakthrough Genomics
Classification: Benign. Review status: criteria provided, single submitter. Criteria: ACMG Guidelines, 2015. Collection method: not provided. Allele origin: germline. Inheritance: Autosomal recessive inheritance. Affected: yes.